The following is an entry in ClinVar:

NM_017882.3(CLN6):c.843G>C (p.Trp281Cys)

Gene: CLN6 (CLN6 transmembrane ER protein; minus strand). Cytogenetic location: 15q23.
Variant type: single nucleotide variant.
Coding change: c.843G>C on transcript NM_017882.3 (MANE Select); coding-DNA position 843, G replaced by C.
Protein change: p.Trp281Cys; replaces tryptophan 281 with cysteine.
Molecular consequence: missense variant.
Genome position (GRCh38, 1-based): chr15:68,208,233, C>G on the plus strand (G>C on the coding strand, the complement: CLN6 is on the minus strand). VCF-style: chr15-68208233-C-G. GRCh37 (hg19) VCF-style: chr15-68500571-C-G.
Other names: c.939G>C, p.Trp313Cys (NM_001411068.1); short protein forms W281C, W313C.
Identifiers: ClinVar variation 2580702 (VCV002580702.1), dbSNP rs2505401316, ClinGen allele CA392971786.
Genomic context (GRCh38, chr15:68,208,233, plus strand): 5'-AGCCCAGGGCTCAGGGACGTAGATGACACCCGGGTACTTCTTCCTGAGAACAGGGTCATT[C>G]CACAGCCAGGCGACCCAGAGCGCCACAAGCAAGAGGGTCAGTGCGAAGGAGGAGAAGAGG-3'
Protein context (NP_060352.1, residues 271-291): LLVALWVAWL[Trp281Cys]NDPVLRKKYP

ClinVar aggregate classification (germline): Likely pathogenic (1 of 4 stars; one submission).

Submission:

GeneDx
Classification: Likely pathogenic. Last evaluated: 2023-03-27. Review status: criteria provided, single submitter. Criteria: GeneDx Variant Classification Process June 2021. Collection method: clinical testing. Allele origin: germline. Affected: yes.
Comment: Not observed at significant frequency in large population cohorts (gnomAD); In silico analysis supports that this missense variant has a deleterious effect on protein structure/function; Has not been previously published as pathogenic or benign to our knowledge